The following is an entry in ClinVar:

ClinVar aggregate classification (germline): Uncertain significance (1 of 4 stars; one submission).

Conditions:
Mendelian susceptibility to mycobacterial diseases due to complete IL12RB1 deficiency. Also called: IL12RB1 DEFICIENCY; Immunodeficiency 30. Identifiers: Orphanet 319552, MedGen C4013949, MONDO:0013955, OMIM 614891.

Submission:

Labcorp Genetics (formerly Invitae), Labcorp
Classification: Uncertain significance for Mendelian susceptibility to mycobacterial diseases due to complete IL12RB1 deficiency. Last evaluated: 2020-04-06. Review status: criteria provided, single submitter. Criteria: Invitae Variant Classification Sherloc (09022015). Collection method: clinical testing. Allele origin: germline.
Comment: In summary, the available evidence is currently insufficient to determine the role of this variant in disease. Therefore, it has been classified as a Variant of Uncertain Significance. Algorithms developed to predict the effect of missense changes on protein structure and function output the following: SIFT: "Tolerated"; PolyPhen-2: "Benign"; Align-GVGD: "Class C0". The arginine amino acid residue is found in multiple mammalian species, suggesting that this missense change does not adversely affect protein function. These predictions have not been confirmed by published functional studies and their clinical significance is uncertain. This variant has not been reported in the literature in individuals with IL12RB1-related conditions. This variant is not present in population databases (ExAC no frequency). This sequence change replaces tryptophan with arginine at codon 7 of the IL12RB1 protein (p.Trp7Arg). The tryptophan residue is weakly conserved and there is a moderate physicochemical difference between tryptophan and arginine.

NM_005535.3(IL12RB1):c.19T>A (p.Trp7Arg)

Gene: IL12RB1 (interleukin 12 receptor subunit beta 1; minus strand). Cytogenetic location: 19p13.11.
Variant type: single nucleotide variant.
Coding change: c.19T>A on transcript NM_005535.3 (MANE Select); coding-DNA position 19, T replaced by A.
Protein change: p.Trp7Arg; replaces tryptophan 7 with arginine.
Molecular consequence: missense variant.
Genome position (GRCh38, 1-based): chr19:18,086,805, A>T on the plus strand (T>A on the coding strand, the complement: IL12RB1 is on the minus strand). VCF-style: chr19-18086805-A-T. GRCh37 (hg19) VCF-style: chr19-18197615-A-T.
Other names: c.19T>A, p.Trp7Arg (NM_001290023.2, NM_153701.3); c.139T>A, p.Trp47Arg (NM_001290024.2); short protein forms W47R, W7R.
Identifiers: ClinVar variation 1020869 (VCV001020869.8), dbSNP rs775656716, ClinGen allele CA404791388.
Genomic context (GRCh38, chr19:18,086,805, plus strand): 5'-GGTCAGGGGACTCACCGCCCTGCCTGGACAGCAGGAAGAGGAAGAGGAGGGGGACCACCC[A>T]GGTCACCAGCGGCTCCATCGGATCCACGTAGAGCCCCACAGCCCCAGGGGAGCCTCTCTG-3'
Protein context (NP_005526.1, residues 1-17): MEPLVT[Trp7Arg]VVPLLFLFLL